The following is an entry in ClinVar:

NM_025132.4(WDR19):c.2648C>T (p.Ala883Val)

Gene: WDR19 (WD repeat domain 19; plus strand). Cytogenetic location: 4p14.
Variant type: single nucleotide variant.
Coding change: c.2648C>T on transcript NM_025132.4 (MANE Select); coding-DNA position 2648, C replaced by T.
Protein change: p.Ala883Val; replaces alanine 883 with valine.
Molecular consequence: missense variant.
Genome position (GRCh38, 1-based): chr4:39,245,371, C>T. VCF-style: chr4-39245371-C-T. GRCh37 (hg19) VCF-style: chr4-39246991-C-T.
Other names: c.2168C>T, p.Ala723Val (NM_001317924.2); short protein forms A723V, A883V.
Identifiers: ClinVar variation 1368989 (VCV001368989.4), dbSNP rs1328854619, ClinGen allele CA356638990.

ClinVar aggregate classification (germline): Uncertain significance (1 of 4 stars; one submission).

Conditions:
Asphyxiating thoracic dystrophy 5 (SRTD5). Also called: SHORT-RIB THORACIC DYSPLASIA 5 WITH OR WITHOUT POLYDACTYLY; SHORT-RIB THORACIC DYSPLASIA 5 WITHOUT POLYDACTYLY. Identifiers: Orphanet 474, MedGen C3280598, MONDO:0013717, OMIM 614376.
Senior-Loken syndrome 8 (SLSN8). Identifiers: Orphanet 3156, MedGen C4225376, MONDO:0014579, OMIM 616307.

gnomAD v4.1: 1 of 1,612,980 alleles (0.000062%); highest among the groups gnomAD compares: Non-Finnish European, 0.000085%; no homozygotes.

Submission:

Labcorp Genetics (formerly Invitae), Labcorp
Classification: Uncertain significance for Senior-Loken syndrome 8; Asphyxiating thoracic dystrophy 5. Last evaluated: 2022-06-27. Review status: criteria provided, single submitter. Criteria: Invitae Variant Classification Sherloc (09022015). Collection method: clinical testing. Allele origin: germline.
Comment: This variant is not present in population databases (gnomAD no frequency). In summary, the available evidence is currently insufficient to determine the role of this variant in disease. Therefore, it has been classified as a Variant of Uncertain Significance. Algorithms developed to predict the effect of sequence changes on RNA splicing suggest that this variant may create or strengthen a splice site. Algorithms developed to predict the effect of missense changes on protein structure and function output the following: SIFT: "Tolerated"; PolyPhen-2: "Benign"; Align-GVGD: "Class C0". The valine amino acid residue is found in multiple mammalian species, which suggests that this missense change does not adversely affect protein function. This variant has not been reported in the literature in individuals affected with WDR19-related conditions. This sequence change replaces alanine, which is neutral and non-polar, with valine, which is neutral and non-polar, at codon 883 of the WDR19 protein (p.Ala883Val).